The following is an entry in ClinVar:

ClinVar aggregate classification (germline): Uncertain significance. Review status: criteria provided, multiple submitters, no conflicts (2 of 4 stars). 2 submissions from 2 submitters: Uncertain significance (2). Last evaluated 2025-03-12.

Conditions:
PACS2-related disorder. Also called: PACS2-related condition.

Allele frequency attached by ClinVar (database versions not stated): gnomAD exomes below 0.00001.
gnomAD v4.1: 2 of 1,602,796 alleles (0.00012%); highest among the groups gnomAD compares: Non-Finnish European, 0.000085%; no homozygotes.

Submissions (2):

PreventionGenetics, part of Exact Sciences
Classification: Uncertain significance for PACS2-related condition. Last evaluated: 2025-03-12. Review status: criteria provided, single submitter. Criteria: ACMG Guidelines, 2015. Collection method: clinical testing. Allele origin: germline.
Comment: The PACS2 c.1750G>A variant is predicted to result in the amino acid substitution p.Gly584Ser. To our knowledge, this variant has not been reported in the literature. This variant is reported in 0.002% of alleles in individuals of European (Finnish) descent in gnomAD. At this time, the clinical significance of this variant is uncertain due to the absence of conclusive functional and genetic evidence.

Labcorp Genetics (formerly Invitae), Labcorp
Classification: Uncertain significance. Last evaluated: 2024-01-17. Review status: criteria provided, single submitter. Criteria: Invitae Variant Classification Sherloc (09022015). Collection method: clinical testing. Allele origin: germline.
Comment: This sequence change replaces glycine, which is neutral and non-polar, with serine, which is neutral and polar, at codon 584 of the PACS2 protein (p.Gly584Ser). This variant is not present in population databases (gnomAD no frequency). This variant has not been reported in the literature in individuals affected with PACS2-related conditions. Advanced modeling of protein sequence and biophysical properties (such as structural, functional, and spatial information, amino acid conservation, physicochemical variation, residue mobility, and thermodynamic stability) performed at Invitae indicates that this missense variant is not expected to disrupt PACS2 protein function with a negative predictive value of 80%. In summary, the available evidence is currently insufficient to determine the role of this variant in disease. Therefore, it has been classified as a Variant of Uncertain Significance.

NM_001100913.3(PACS2):c.1750G>A (p.Gly584Ser)

Gene: PACS2 (phosphofurin acidic cluster sorting protein 2; plus strand). Cytogenetic location: 14q32.33.
Variant type: single nucleotide variant.
Coding change: c.1750G>A on transcript NM_001100913.3 (MANE Select); coding-DNA position 1750, G replaced by A.
Protein change: p.Gly584Ser; replaces glycine 584 with serine.
Molecular consequence: missense variant.
Genome position (GRCh38, 1-based): chr14:105,383,483, G>A. VCF-style: chr14-105383483-G-A. GRCh37 (hg19) VCF-style: chr14-105849820-G-A.
Other names: c.1750G>A (NM_001100913.2); c.1513G>A, p.Gly505Ser (NM_001243127.3); c.1738G>A, p.Gly580Ser (NM_015197.4); short protein forms G580S, G584S, G505S.
Identifiers: ClinVar variation 2879683 (VCV002879683.4), dbSNP rs1555412705, ClinGen allele CA391183878.